The following is an entry in ClinVar:

ClinVar aggregate classification (germline): Uncertain significance (1 of 4 stars; one submission).

Submission:

Clinical Genomics Laboratory, Laboratory for Precision Diagnostics, University of Washington
Classification: Uncertain significance. Last evaluated: 2023-04-28. Review status: criteria provided, single submitter. Criteria: ACMG/ClinGen CNV Guidelines, 2019. Collection method: clinical testing. Allele origin: unknown. Affected: yes. Observed: 1 variant allele.
Comment: This interstitial duplication is approximately 685 kb in size and affects one protein-coding gene, CSMD1. This is not a known triplosensitive genomic region; however, CMA cannot distinguish tandem or inverted duplications from an insertion of the duplicated material elsewhere in the genome with potential for pathogenic disruption of genes at the insertion site. The centromeric breakpoint of the duplication lies within intron 26 of CSMD1 such that exons 27-70 are duplicated. It is unknown whether this duplication would disrupt CSMD1 or affect its expression. CSMD1 is not currently known to be dosage sensitive. The classification of this duplication is therefore uncertain, per ACMGG interpretation standards. It affects a single protein-coding element and doesn’t overlap any known dosage sensitive genes or regions. Similar duplications appear multiple times in DECIPHER and ClinVar, but information is often incomplete. DECIPHER patient 248566 inherited the duplication from an unaffected parent. A similar duplication appears in both the Database of Genomic Variants (DGV) and gnomAD, but at low frequency (nsv4158894, DUP_8_23549).

GRCh38/hg38 8p23.2(chr8:2597887-3283299)x3

Genes: CSMD1 (CUB and Sushi multiple domains 1; minus strand), LINC03021 (long independently transcribed non-coding RNA 3021; minus strand), LOC105377785 (uncharacterized LOC105377785; plus strand), LOC123987607 (Sharpr-MPRA regulatory region 12422; plus strand), LOC123987608 (Sharpr-MPRA regulatory region 746; plus strand) and 5 more. Cytogenetic location: 8p23.2.
Variant type: copy number gain.
Change: copy number 3 (three copies instead of two) of chr8:2,597,887-3,283,299 (685.4 kb, GRCh38 coordinates, 1-based), cytogenetic band 8p23.2.
Identifiers: ClinVar variation 4890931 (VCV004890931.1).